The following is an entry in ClinVar:

ClinVar aggregate classification (germline): Uncertain significance (1 of 4 stars; one submission).

Conditions:
Neuroblastoma, susceptibility to, 3. Also called: ALK-Related Neuroblastic Tumor Susceptibility. Identifiers: Orphanet 635, MedGen C2751681, MONDO:0013083, OMIM 613014.

Allele frequency attached by ClinVar (database versions not stated): gnomAD exomes below 0.00001; ExAC 0.00001.
gnomAD v4.1: 2 of 1,614,004 alleles (0.00012%); highest among the groups gnomAD compares: South Asian, 0.0022%; no homozygotes.

Submission:

Labcorp Genetics (formerly Invitae), Labcorp
Classification: Uncertain significance for Neuroblastoma, susceptibility to, 3. Last evaluated: 2024-04-15. Review status: criteria provided, single submitter. Criteria: Invitae Variant Classification Sherloc (09022015). Collection method: clinical testing. Allele origin: germline.
Comment: This sequence change falls in intron 2 of the ALK gene. It does not directly change the encoded amino acid sequence of the ALK protein. It affects a nucleotide within the consensus splice site. This variant is present in population databases (rs777611513, gnomAD 0.003%). This variant has not been reported in the literature in individuals affected with ALK-related conditions. Variants that disrupt the consensus splice site are a relatively common cause of aberrant splicing (PMID: 17576681, 9536098). Algorithms developed to predict the effect of sequence changes on RNA splicing suggest that this variant is not likely to affect RNA splicing. In summary, the available evidence is currently insufficient to determine the role of this variant in disease. Therefore, it has been classified as a Variant of Uncertain Significance.

Literature cited by the submitters: PubMed 17576681; PubMed 9536098.

NM_004304.5(ALK):c.788-3C>T

Gene: ALK (ALK receptor tyrosine kinase; minus strand). Cytogenetic location: 2p23.2.
Variant type: single nucleotide variant.
Coding change: c.788-3C>T on transcript NM_004304.5 (MANE Select); 3 bases into the intron before coding-DNA position 788, C replaced by T.
Molecular consequence: intron variant.
Genome position (GRCh38, 1-based): chr2:29,695,017, G>A on the plus strand (C>T on the coding strand, the complement: ALK is on the minus strand). VCF-style: chr2-29695017-G-A. GRCh37 (hg19) VCF-style: chr2-29917883-G-A.
Identifiers: ClinVar variation 2988051 (VCV002988051.3), dbSNP rs777611513, ClinGen allele CA1594850.